The following is an entry in ClinVar:

ClinVar aggregate classification (germline): Benign. Review status: criteria provided, multiple submitters, no conflicts (2 of 4 stars). 2 submissions from 2 submitters: Benign (2). Last evaluated 2018-06-19.

Allele frequency attached by ClinVar (database versions not stated): gnomAD exomes 0.22467; gnomAD 0.25458 and 0.26194; TOPMed 0.26332; 1000 Genomes Project 0.35343; 1000 Genomes Project 30x 0.35493.
gnomAD v4.1: 335,387 of 1,463,034 alleles (23%); highest among the groups gnomAD compares: East Asian, 49%; 42,333 homozygotes.

Submissions (2):

GeneDx
Classification: Benign. Last evaluated: 2018-06-19. Review status: criteria provided, single submitter. Criteria: GeneDx Variant Classification (06012015). Collection method: clinical testing. Allele origin: germline. Affected: yes.
Comment: This variant is considered likely benign or benign based on one or more of the following criteria: it is a conservative change, it occurs at a poorly conserved position in the protein, it is predicted to be benign by multiple in silico algorithms, and/or has population frequency not consistent with disease.

Breakthrough Genomics
Classification: Benign. Review status: criteria provided, single submitter. Criteria: ACMG Guidelines, 2015. Collection method: not provided. Allele origin: germline. Inheritance: Autosomal dominant inheritance. Affected: yes.

NM_001035.3(RYR2):c.7965+70A>G

Gene: RYR2 (ryanodine receptor 2; plus strand). Cytogenetic location: 1q43.
Variant type: single nucleotide variant.
Coding change: c.7965+70A>G on transcript NM_001035.3 (MANE Select); 70 bases into the intron after coding-DNA position 7965, A replaced by G.
Molecular consequence: intron variant.
Genome position (GRCh38, 1-based): chr1:237,654,484, A>G. VCF-style: chr1-237654484-A-G. GRCh37 (hg19) VCF-style: chr1-237817784-A-G.
Identifiers: ClinVar variation 672096 (VCV000672096.2), dbSNP rs669375, ClinGen allele CA10865986.